The following is an entry in ClinVar:

ClinVar aggregate classification (germline): Pathogenic. Review status: criteria provided, multiple submitters, no conflicts (2 of 4 stars). 2 submissions from 2 submitters: Pathogenic (2). Last evaluated 2024-07-23.

Conditions:
Hydrocephalus, nonsyndromic, autosomal recessive 1 (HYC1). Also called: Congenital hydrocephalus 1; Hydrocephalus, nonsyndromic, autosomal recessive. Identifiers: Orphanet 2185, MedGen C3887608, MONDO:0009360, OMIM 236600.

Submissions (2):

Myriad Genetics, Inc.
Classification: Pathogenic for Hydrocephalus, nonsyndromic, autosomal recessive 1. Last evaluated: 2024-07-23. Review status: criteria provided, single submitter. Criteria: Myriad Autosomal Dominant, Autosomal Recessive and X-Linked Classification Criteria (2023). Collection method: clinical testing. Allele origin: unknown.
Comment: NM_001080414.3(CCDC88C):c.3887G>A(W1296*) is expected to be pathogenic in the context of congenital hydrocephalus, CCDC88C-related. This variant is predicted to lead to an abnormal or absent protein product due to the creation of a premature termination codon in CCDC88C, a gene where loss-of-function variants are known to be pathogenic. Please note: this variant was assessed in the context of healthy population screening.

Labcorp Genetics (formerly Invitae), Labcorp
Classification: Pathogenic. Last evaluated: 2023-06-16. Review status: criteria provided, single submitter. Criteria: Invitae Variant Classification Sherloc (09022015). Collection method: clinical testing. Allele origin: germline.
Comment: For these reasons, this variant has been classified as Pathogenic. This variant has not been reported in the literature in individuals affected with CCDC88C-related conditions. This variant is not present in population databases (gnomAD no frequency). This sequence change creates a premature translational stop signal (p.Trp1296*) in the CCDC88C gene. It is expected to result in an absent or disrupted protein product. Loss-of-function variants in CCDC88C are known to be pathogenic (PMID: 23042809, 29225145).

Literature cited by the submitters: PubMed 23042809 (cited by Labcorp Genetics (formerly Invitae), Labcorp); PubMed 29225145 (cited by Labcorp Genetics (formerly Invitae), Labcorp).

NM_001080414.4(CCDC88C):c.3887G>A (p.Trp1296Ter)

Gene: CCDC88C (coiled-coil and HOOK domain protein 88C; minus strand). Cytogenetic location: 14q32.11.
Variant type: single nucleotide variant.
Coding change: c.3887G>A on transcript NM_001080414.4 (MANE Select); coding-DNA position 3887, G replaced by A.
Protein change: p.Trp1296Ter; replaces tryptophan 1296 with a stop codon.
Molecular consequence: nonsense.
Genome position (GRCh38, 1-based): chr14:91,297,384, C>T on the plus strand (G>A on the coding strand, the complement: CCDC88C is on the minus strand). VCF-style: chr14-91297384-C-T. GRCh37 (hg19) VCF-style: chr14-91763728-C-T.
Other names: short protein forms W1296*.
Identifiers: ClinVar variation 2859135 (VCV002859135.4), dbSNP rs2544325280, ClinGen allele CA390618293.